The following is an entry in ClinVar:

NM_000271.5(NPC1):c.97A>T (p.Ile33Phe)

Gene: NPC1 (NPC intracellular cholesterol transporter 1; minus strand). Cytogenetic location: 18q11.2.
Variant type: single nucleotide variant.
Coding change: c.97A>T on transcript NM_000271.5 (MANE Select); coding-DNA position 97, A replaced by T.
Protein change: p.Ile33Phe; replaces isoleucine 33 with phenylalanine.
Molecular consequence: missense variant.
Genome position (GRCh38, 1-based): chr18:23,573,535, T>A on the plus strand (A>T on the coding strand, the complement: NPC1 is on the minus strand). VCF-style: chr18-23573535-T-A. GRCh37 (hg19) VCF-style: chr18-21153499-T-A.
Other names: short protein forms I33F.
Identifiers: ClinVar variation 1435079 (VCV001435079.6), dbSNP rs1244447626, ClinGen allele CA402041357.

ClinVar aggregate classification (germline): Uncertain significance (1 of 4 stars; one submission).

Conditions:
Niemann-Pick disease, type C1. Also called: NIEMANN-PICK DISEASE, VARIANT TYPE C1; NEUROVISCERAL STORAGE DISEASE WITH VERTICAL SUPRANUCLEAR OPHTHALMOPLEGIA; NIEMANN-PICK DISEASE WITH CHOLESTEROL ESTERIFICATION BLOCK; NIEMANN-PICK DISEASE WITHOUT SPHINGOMYELINASE DEFICIENCY; NIEMANN-PICK DISEASE, CHRONIC NEURONOPATHIC FORM. Identifiers: Orphanet 646, MedGen C3179455, MONDO:0009757, OMIM 257220.

Allele frequency attached by ClinVar (database versions not stated): gnomAD 0.00001; gnomAD exomes 0.00001; TOPMed 0.00001.
gnomAD v4.1: 15 of 1,614,060 alleles (0.00093%); highest among the groups gnomAD compares: Non-Finnish European, 0.0013%; no homozygotes.

Submission:

Labcorp Genetics (formerly Invitae), Labcorp
Classification: Uncertain significance for Niemann-Pick disease, type C1. Last evaluated: 2026-01-12. Review status: criteria provided, single submitter. Criteria: Invitae Variant Classification Sherloc (09022015). Collection method: clinical testing. Allele origin: germline.
Comment: This sequence change replaces isoleucine, which is neutral and non-polar, with phenylalanine, which is neutral and non-polar, at codon 33 of the NPC1 protein (p.Ile33Phe). This variant is present in population databases (no rsID available, gnomAD 0.007%). This variant has not been reported in the literature in individuals affected with NPC1-related conditions. ClinVar contains an entry for this variant (Variation ID: 1435079). Invitae Evidence Modeling of protein sequence and biophysical properties (such as structural, functional, and spatial information, amino acid conservation, physicochemical variation, residue mobility, and thermodynamic stability) has been performed for this missense variant. However, the output from this modeling did not meet the statistical confidence thresholds required to predict the impact of this variant on NPC1 protein function. In summary, the available evidence is currently insufficient to determine the role of this variant in disease. Therefore, it has been classified as a Variant of Uncertain Significance.